The following is an entry in ClinVar:

NM_001868.4(CPA1):c.386A>G (p.Tyr129Cys)

Gene: CPA1 (carboxypeptidase A1; plus strand). Cytogenetic location: 7q32.2.
Variant type: single nucleotide variant.
Coding change: c.386A>G on transcript NM_001868.4 (MANE Select); coding-DNA position 386, A replaced by G.
Protein change: p.Tyr129Cys; replaces tyrosine 129 with cysteine.
Molecular consequence: missense variant.
Genome position (GRCh38, 1-based): chr7:130,382,112, A>G. VCF-style: chr7-130382112-A-G. GRCh37 (hg19) VCF-style: chr7-130021953-A-G.
Other names: short protein forms Y129C.
Identifiers: ClinVar variation 1735665 (VCV001735665.6), dbSNP rs2536006176, ClinGen allele CA369280665.

ClinVar aggregate classification (germline): Uncertain significance. Review status: criteria provided, multiple submitters, no conflicts (2 of 4 stars). 2 submissions from 2 submitters: Uncertain significance (2). Last evaluated 2025-12-09.

Conditions:
Hereditary pancreatitis (PCTT). Also called: Hereditary chronic pancreatitis; PRSS1-Related Hereditary Pancreatitis. Identifiers: Orphanet 676, MedGen C0238339, MONDO:0008185, OMIM 167800.

Allele frequency attached by ClinVar (database versions not stated): gnomAD exomes 0.00001.
gnomAD v4.1: 4 of 1,613,924 alleles (0.00025%); highest among the groups gnomAD compares: Non-Finnish European, 0.00034%; no homozygotes.

Submissions (2):

Ambry Genetics
Classification: Uncertain significance for Hereditary pancreatitis. Last evaluated: 2025-12-09. Review status: criteria provided, single submitter. Criteria: Ambry Variant Classification Scheme 2023. Collection method: clinical testing. Allele origin: germline.
Comment: The p.Y129C variant (also known as c.386A>G), located in coding exon 4 of the CPA1 gene, results from an A to G substitution at nucleotide position 386. The tyrosine at codon 129 is replaced by cysteine, an amino acid with highly dissimilar properties. This amino acid position is highly conserved in available vertebrate species. In addition, this alteration is predicted to be tolerated by in silico analysis. Since supporting evidence is limited at this time, the clinical significance of this alteration remains unclear.

Labcorp Genetics (formerly Invitae), Labcorp
Classification: Uncertain significance. Last evaluated: 2024-11-06. Review status: criteria provided, single submitter. Criteria: Invitae Variant Classification Sherloc (09022015). Collection method: clinical testing. Allele origin: germline.
Comment: This sequence change replaces tyrosine, which is neutral and polar, with cysteine, which is neutral and slightly polar, at codon 129 of the CPA1 protein (p.Tyr129Cys). This variant is not present in population databases (gnomAD no frequency). This variant has not been reported in the literature in individuals affected with CPA1-related conditions. ClinVar contains an entry for this variant (Variation ID: 1735665). Invitae Evidence Modeling of protein sequence and biophysical properties (such as structural, functional, and spatial information, amino acid conservation, physicochemical variation, residue mobility, and thermodynamic stability) has been performed for this missense variant. However, the output from this modeling did not meet the statistical confidence thresholds required to predict the impact of this variant on CPA1 protein function. In summary, the available evidence is currently insufficient to determine the role of this variant in disease. Therefore, it has been classified as a Variant of Uncertain Significance.